The following is an entry in ClinVar:

ClinVar aggregate classification (germline): Pathogenic (1 of 4 stars; one submission).

Submission:

Labcorp Genetics (formerly Invitae), Labcorp
Classification: Pathogenic. Last evaluated: 2023-06-03. Review status: criteria provided, single submitter. Criteria: Invitae Variant Classification Sherloc (09022015). Collection method: clinical testing. Allele origin: germline.
Comment: For these reasons, this variant has been classified as Pathogenic. This variant has not been reported in the literature in individuals affected with ATP2C1-related conditions. This variant is not present in population databases (gnomAD no frequency). This sequence change creates a premature translational stop signal (p.Tyr452*) in the ATP2C1 gene. It is expected to result in an absent or disrupted protein product. Loss-of-function variants in ATP2C1 are known to be pathogenic (PMID: 10615129, 10767338, 11841554).

Literature cited by the submitters: PubMed 10615129; PubMed 10767338; PubMed 11841554.

NM_001378687.1(ATP2C1):c.1351_1354dup (p.Tyr452Ter)

Gene: ATP2C1 (ATPase secretory pathway Ca2+ transporting 1; plus strand). Cytogenetic location: 3q22.1.
Variant type: Duplication.
Coding change: c.1351_1354dup on transcript NM_001378687.1 (MANE Select); coding-DNA positions 1351 to 1354, 4 bases duplicated (GAAT; older notation c.1351_1354dupGAAT).
Protein change: p.Tyr452Ter; replaces tyrosine 452 with a stop codon.
Molecular consequence: nonsense.
Genome position (GRCh38, 1-based): chr3:130,969,334-130,969,337, GAAT duplicated; duplicating any 4 consecutive bases within chr3:130,969,333-130,969,337 gives the same sequence; the c. name uses the placement nearest the transcript's 3' end. VCF-style (leftmost placement, unchanged base first): chr3-130969332-C-CTGAA. GRCh37 (hg19) VCF-style: chr3-130688176-C-CTGAA.
Other names: c.1303_1306dup, p.Tyr436Ter (NM_001199184.3, NM_001378514.1, NM_001199183.2); c.1351_1354dup, p.Tyr452Ter (NM_001199185.2, NM_001378512.1, NM_001378513.1 and 5 more transcripts); c.1453_1456dup, p.Tyr486Ter (NM_001378511.1, NM_001199180.2, NM_001199181.3); c.1336_1339dup, p.Tyr447Ter (NM_001199182.2); short protein forms Y436*, Y447*, Y452*, Y486*.
Identifiers: ClinVar variation 2764746 (VCV002764746.3), dbSNP rs2531133278, ClinGen allele CA2697556842.
Genomic context (GRCh38, chr3:130,969,332, plus strand): 5'-TTTCTCTTTGTGCCATATAGATGGGTCTTGATGGACTTCAACAAGACTACATCAGAAAAG[C>CTGAA]TGAATACCCTTTTAGCTCTGAGCAAAAGTGGATGGCTGTTAAGTGTGTACACCGAACACA-3'